The following is an entry in ClinVar:

ClinVar aggregate classification (germline): Pathogenic (1 of 4 stars; one submission).

Conditions:
Combined immunodeficiency due to LRBA deficiency. Also called: Common variable immunodeficiency 8, with autoimmunity. Identifiers: Orphanet 445018, MedGen C3553512, MONDO:0013863, OMIM 614700.

Submission:

Labcorp Genetics (formerly Invitae), Labcorp
Classification: Pathogenic for Common variable immunodeficiency 8, with autoimmunity. Last evaluated: 2019-08-22. Review status: criteria provided, single submitter. Criteria: Invitae Variant Classification Sherloc (09022015). Collection method: clinical testing. Allele origin: germline.
Comment: This sequence change creates a premature translational stop signal (p.Phe1096Leufs*3) in the LRBA gene. It is expected to result in an absent or disrupted protein product. This variant is not present in population databases (ExAC no frequency). This variant has not been reported in the literature in individuals with LRBA-related conditions. Loss-of-function variants in LRBA are known to be pathogenic (PMID: 26206937, 26768763). For these reasons, this variant has been classified as Pathogenic.

NM_001364905.1(LRBA):c.3286_3287del (p.Phe1096fs)

Gene: LRBA (LPS responsive beige-like anchor protein; minus strand). Cytogenetic location: 4q31.3.
Variant type: Deletion.
Coding change: c.3286_3287del on transcript NM_001364905.1 (MANE Select); coding-DNA positions 3286 to 3287, 2 bases deleted (TT; older notation c.3286_3287delTT).
Protein change: p.Phe1096fs; shifts the reading frame from phenylalanine 1096.
Molecular consequence: frameshift variant.
Genome position (GRCh38, 1-based): chr4:150,852,423-150,852,424, AA deleted on the plus strand (TT on the coding strand, the reverse complement: LRBA is on the minus strand). VCF-style (leftmost placement, unchanged base first): chr4-150852422-GAA-G. GRCh37 (hg19) VCF-style: chr4-151773574-GAA-G.
Other names: c.3286_3287delTT, p.Phe1096Leufs (NM_001199282.3, NM_006726.5); c.3286_3287del, p.Phe1096fs (NM_001367550.1); short protein forms F1096fs.
Identifiers: ClinVar variation 935307 (VCV000935307.1), dbSNP rs1750723817, ClinGen allele CA1139658676.